The following is an entry in ClinVar:

NM_000455.5(STK11):c.1090C>T (p.Gln364Ter)

Genes: STK11 (serine/threonine kinase 11; plus strand), LOC130062899 (ATAC-STARR-seq lymphoblastoid active region 13597; plus strand). Cytogenetic location: 19p13.3.
Variant type: single nucleotide variant.
Coding change: c.1090C>T on transcript NM_000455.5 (MANE Select); coding-DNA position 1090, C replaced by T.
Protein change: p.Gln364Ter; replaces glutamine 364 with a stop codon.
Molecular consequence: nonsense.
Genome position (GRCh38, 1-based): chr19:1,223,154, C>T. VCF-style: chr19-1223154-C-T. GRCh37 (hg19) VCF-style: chr19-1223153-C-T.
Other names: c.1090C>T, p.Gln364Ter (NM_001407255.1); short protein forms Q364*.
Identifiers: ClinVar variation 1801558 (VCV001801558.6), dbSNP rs2145431441, ClinGen allele CA402951938.

ClinVar aggregate classification (germline): Pathogenic. Review status: criteria provided, multiple submitters, no conflicts (2 of 4 stars). 4 submissions from 4 submitters: Pathogenic (3). 1 of the submissions does not count toward it. Last evaluated 2023-11-17.

Conditions:
Gastric cancer. Also called: Malignant tumor of stomach; Stomach cancer. Identifiers: MedGen C0024623, MeSH D013274, MONDO:0001056, OMIM 613659, HP:0012126.
Peutz-Jeghers syndrome (PJS). Also called: POLYPOSIS, HAMARTOMATOUS INTESTINAL; POLYPS-AND-SPOTS SYNDROME; Peutz-Jeghers polyposis; Periorificial lentiginosis syndrome. Identifiers: Orphanet 2869, MedGen C0031269, MeSH D010580, MONDO:0008280, OMIM 175200.
Hereditary cancer-predisposing syndrome. Also called: Neoplastic Syndromes, Hereditary; Hereditary neoplastic syndrome; Hereditary Cancer Syndrome; Tumor predisposition. Identifiers: Orphanet 140162, MedGen C0027672, MeSH D009386, MONDO:0015356.

Submissions (4):

Labcorp Genetics (formerly Invitae), Labcorp
Classification: Pathogenic for Peutz-Jeghers syndrome. Last evaluated: 2023-11-17. Review status: criteria provided, single submitter. Criteria: Invitae Variant Classification Sherloc (09022015). Collection method: clinical testing. Allele origin: germline.
Comment: This sequence change creates a premature translational stop signal (p.Gln364*) in the STK11 gene. It is expected to result in an absent or disrupted protein product. Loss-of-function variants in STK11 are known to be pathogenic (PMID: 15188174, 16287113). This variant is not present in population databases (gnomAD no frequency). This variant has not been reported in the literature in individuals affected with STK11-related conditions. ClinVar contains an entry for this variant (Variation ID: 1801558). For these reasons, this variant has been classified as Pathogenic.

Women's Health and Genetics/Laboratory Corporation of America, LabCorp
Classification: Pathogenic for Peutz-Jeghers syndrome. Last evaluated: 2023-05-22. Review status: criteria provided, single submitter. Criteria: LabCorp Variant Classification Summary - May 2015. Collection method: clinical testing. Allele origin: germline.
Comment: Variant summary: STK11 c.1090C>T (p.Gln364X) results in a premature termination codon, predicted to cause a truncation of the encoded protein or absence of the protein, which is a commonly known mechanism for disease. While this variant is not expected to result in nonsense mediated decay, it is predicted to disrupt the last 70 amino acids of the protein. At least one downstream truncating variant, c.1246A>T (p.K416X), has been reported in the literature in a patient with Peutz-Jeghers syndrome (PMID: 10353780). The variant allele was found at a frequency of 3.7e-06 in 268031 control chromosomes (i.e., 1 heterozygous carrier; gnomAD and Mizukami_2020). The available data on variant occurrences in the general population are insufficient to allow any conclusion about variant significance. To our knowledge, no occurrence of c.1090C>T in individuals affected with Peutz-Jeghers Syndrome and no experimental evidence demonstrating its impact on protein function have been reported. The following publications have been ascertained in the context of this evaluation (PMID: 32980694, 30287823). Two ClinVar submitters (evaluation after 2014) have cited the variant, and both submitters classified the variant as pathogenic. Based on the evidence outlined above, the variant was classified as pathogenic.

Ambry Genetics
Classification: Pathogenic for Hereditary cancer-predisposing syndrome. Last evaluated: 2023-01-19. Review status: criteria provided, single submitter. Criteria: Ambry Variant Classification Scheme 2023. Collection method: clinical testing. Allele origin: germline.
Comment: The p.Q364* pathogenic mutation (also known as c.1090C>T), located in coding exon 8 of the STK11 gene, results from a C to T substitution at nucleotide position 1090. This changes the amino acid from a glutamine to a stop codon within coding exon 8. This alteration was observed with an allele frequency of 0 in 7,051 unselected female breast cancer patients and was observed with an allele frequency of 0.00009 in 11,241 female controls of Japanese ancestry (Momozawa Y et al. Nat Commun, 2018 Oct;9:4083). This variant was present in 0/1005 Japanese pancreatic cancer patients and at a carrier frequency of 0.00004 in 23705 controls (Mizukami K et al. EBioMedicine, 2020 Oct;60:103033). This variant is considered to be rare based on population cohorts in the Genome Aggregation Database (gnomAD). This alteration is expected to result in loss of function by premature protein truncation or nonsense-mediated mRNA decay. As such, this alteration is interpreted as a disease-causing mutation.

Laboratory for Genotyping Development, RIKEN
Classification: Pathogenic for Gastric cancer. Last evaluated: 2021-07-01. Review status: no assertion criteria provided. Collection method: research. Allele origin: germline. Not counted in ClinVar's aggregate classification.

Literature cited by the submitters: PubMed 15188174 (cited by Labcorp Genetics (formerly Invitae), Labcorp); PubMed 16287113 (cited by Labcorp Genetics (formerly Invitae), Labcorp); PubMed 30287823 (cited by Women's Health and Genetics/Laboratory Corporation of America, LabCorp and Ambry Genetics); PubMed 32980694 (cited by Women's Health and Genetics/Laboratory Corporation of America, LabCorp and Ambry Genetics); PubMed 36988593 (cited by Laboratory for Genotyping Development, RIKEN).